The following is an entry in ClinVar:

ClinVar aggregate classification (germline): Uncertain significance. Review status: criteria provided, multiple submitters, no conflicts (2 of 4 stars). 2 submissions from 2 submitters: Uncertain significance (2). Last evaluated 2025-04-19.

Conditions:
Arrhythmogenic right ventricular dysplasia 13. Also called: ARRHYTHMOGENIC RIGHT VENTRICULAR CARDIOMYOPATHY 13; Arrhythmogenic right ventricular dysplasia, familial, 13. Identifiers: MedGen C3810138, MONDO:0000908, OMIM 615616.

Allele frequency attached by ClinVar (database versions not stated): ExAC 0.00001; gnomAD 0.00001; gnomAD exomes 0.00001; TOPMed 0.00001.
gnomAD v4.1: 16 of 1,613,302 alleles (0.00099%); highest among the groups gnomAD compares: Middle Eastern, 0.016%; 1 homozygote.

Submissions (2):

Ambry Genetics
Classification: Uncertain significance. Last evaluated: 2025-04-19. Review status: criteria provided, single submitter. Criteria: Ambry Variant Classification Scheme 2023. Collection method: clinical testing. Allele origin: germline.
Comment: The p.R191H variant (also known as c.572G>A), located in coding exon 4 of the CTNNA3 gene, results from a G to A substitution at nucleotide position 572. The arginine at codon 191 is replaced by histidine, an amino acid with highly similar properties. This amino acid position is conserved. In addition, this alteration is predicted to be deleterious by in silico analysis. Based on the available evidence, the clinical significance of this variant remains unclear.

Labcorp Genetics (formerly Invitae), Labcorp
Classification: Uncertain significance for Arrhythmogenic right ventricular dysplasia 13. Last evaluated: 2022-05-01. Review status: criteria provided, single submitter. Criteria: Invitae Variant Classification Sherloc (09022015). Collection method: clinical testing. Allele origin: germline.
Comment: This sequence change replaces arginine, which is basic and polar, with histidine, which is basic and polar, at codon 191 of the CTNNA3 protein (p.Arg191His). This variant is present in population databases (rs748122512, gnomAD 0.01%). This variant has not been reported in the literature in individuals affected with CTNNA3-related conditions. Algorithms developed to predict the effect of missense changes on protein structure and function are either unavailable or do not agree on the potential impact of this missense change (SIFT: "Deleterious"; PolyPhen-2: "Possibly Damaging"; Align-GVGD: "Class C0"). In summary, the available evidence is currently insufficient to determine the role of this variant in disease. Therefore, it has been classified as a Variant of Uncertain Significance.

NM_013266.4(CTNNA3):c.572G>A (p.Arg191His)

Gene: CTNNA3 (catenin alpha 3; minus strand). Cytogenetic location: 10q21.3.
Variant type: single nucleotide variant.
Coding change: c.572G>A on transcript NM_013266.4 (MANE Select); coding-DNA position 572, G replaced by A.
Protein change: p.Arg191His; replaces arginine 191 with histidine.
Molecular consequence: missense variant.
Genome position (GRCh38, 1-based): chr10:67,521,849, C>T on the plus strand (G>A on the coding strand, the complement: CTNNA3 is on the minus strand). VCF-style: chr10-67521849-C-T. GRCh37 (hg19) VCF-style: chr10-69281607-C-T.
Other names: c.572G>A, p.Arg191His (NM_001127384.3); c.608G>A, p.Arg203His (NM_001291133.2); c.572G>A (NM_013266.2); short protein forms R191H, R203H.
Identifiers: ClinVar variation 2198019 (VCV002198019.5), dbSNP rs748122512, ClinGen allele CA5520581.